The following is an entry in ClinVar:

ClinVar aggregate classification (germline): Uncertain significance (1 of 4 stars; one submission).

Conditions:
Tumor predisposition syndrome 3 (TPDS3). Also called: LONG TELOMERE SYNDROME, POT1-RELATED; POT1 Tumor Predisposition; Melanoma, cutaneous malignant, susceptibility to, 10; Glioma susceptibility 9. Identifiers: Orphanet 618, MedGen C4014476, MONDO:0014368, OMIM 615848.

Submission:

Labcorp Genetics (formerly Invitae), Labcorp
Classification: Uncertain significance for Tumor predisposition syndrome 3. Last evaluated: 2023-03-09. Review status: criteria provided, single submitter. Criteria: Invitae Variant Classification Sherloc (09022015). Collection method: clinical testing. Allele origin: germline.
Comment: In summary, the available evidence is currently insufficient to determine the role of this variant in disease. Therefore, it has been classified as a Variant of Uncertain Significance. Advanced modeling of protein sequence and biophysical properties (such as structural, functional, and spatial information, amino acid conservation, physicochemical variation, residue mobility, and thermodynamic stability) performed at Invitae indicates that this missense variant is not expected to disrupt POT1 protein function. This sequence change replaces lysine, which is basic and polar, with threonine, which is neutral and polar, at codon 30 of the POT1 protein (p.Lys30Thr). This variant is not present in population databases (gnomAD no frequency). This variant has not been reported in the literature in individuals affected with POT1-related conditions.

NM_015450.3(POT1):c.89A>C (p.Lys30Thr)

Gene: POT1 (protection of telomeres 1; minus strand). Cytogenetic location: 7q31.33.
Variant type: single nucleotide variant.
Coding change: c.89A>C on transcript NM_015450.3 (MANE Select); coding-DNA position 89, A replaced by C.
Protein change: p.Lys30Thr; replaces lysine 30 with threonine.
Molecular consequence: missense variant. On other transcripts: 5 prime UTR variant (1), non-coding transcript variant (3).
Genome position (GRCh38, 1-based): chr7:124,892,301, T>G on the plus strand (A>C on the coding strand, the complement: POT1 is on the minus strand). VCF-style: chr7-124892301-T-G. GRCh37 (hg19) VCF-style: chr7-124532355-T-G.
Other names: c.-174A>C (NM_001042594.2); short protein forms K30T.
Identifiers: ClinVar variation 2844340 (VCV002844340.3), dbSNP rs2485562611, ClinGen allele CA369066093.